The following is an entry in ClinVar:

ClinVar aggregate classification (germline): Uncertain significance (1 of 4 stars; one submission).

Conditions:
2-aminoadipic 2-oxoadipic aciduria (AAKAD). Also called: Aminoadipic aciduria; ALPHA-AMINOADIPIC AND ALPHA-KETOADIPIC ACIDURIA. Identifiers: Orphanet 79154, MedGen C1859817, MONDO:0008774, OMIM 204750.

Allele frequency attached by ClinVar (database versions not stated): gnomAD exomes below 0.00001.

Submission:

Labcorp Genetics (formerly Invitae), Labcorp
Classification: Uncertain significance for 2-aminoadipic 2-oxoadipic aciduria. Last evaluated: 2022-11-15. Review status: criteria provided, single submitter. Criteria: Invitae Variant Classification Sherloc (09022015). Collection method: clinical testing. Allele origin: germline.
Comment: In summary, the available evidence is currently insufficient to determine the role of this variant in disease. Therefore, it has been classified as a Variant of Uncertain Significance. This sequence change replaces threonine, which is neutral and polar, with alanine, which is neutral and non-polar, at codon 231 of the DHTKD1 protein (p.Thr231Ala). This variant is not present in population databases (gnomAD no frequency). This variant has not been reported in the literature in individuals affected with DHTKD1-related conditions. Algorithms developed to predict the effect of missense changes on protein structure and function (SIFT, PolyPhen-2, Align-GVGD) all suggest that this variant is likely to be tolerated.

NM_018706.7(DHTKD1):c.691A>G (p.Thr231Ala)

Gene: DHTKD1 (dehydrogenase E1 and transketolase domain containing 1; plus strand). Cytogenetic location: 10p14.
Variant type: single nucleotide variant.
Coding change: c.691A>G on transcript NM_018706.7 (MANE Select); coding-DNA position 691, A replaced by G.
Protein change: p.Thr231Ala; replaces threonine 231 with alanine.
Molecular consequence: missense variant.
Genome position (GRCh38, 1-based): chr10:12,087,703, A>G. VCF-style: chr10-12087703-A-G. GRCh37 (hg19) VCF-style: chr10-12129702-A-G.
Other names: short protein forms T231A.
Identifiers: ClinVar variation 2814381 (VCV002814381.3), dbSNP rs2491475213, ClinGen allele CA376018292.